The following is an entry in ClinVar:

NM_001918.5(DBT):c.899C>T (p.Ala300Val)

Gene: DBT (dihydrolipoamide branched chain transacylase E2; minus strand). Cytogenetic location: 1p21.2.
Variant type: single nucleotide variant.
Coding change: c.899C>T on transcript NM_001918.5 (MANE Select); coding-DNA position 899, C replaced by T.
Protein change: p.Ala300Val; replaces alanine 300 with valine.
Molecular consequence: missense variant. On other transcripts: non-coding transcript variant (4).
Genome position (GRCh38, 1-based): chr1:100,214,857, G>A on the plus strand (C>T on the coding strand, the complement: DBT is on the minus strand). VCF-style: chr1-100214857-G-A. GRCh37 (hg19) VCF-style: chr1-100680413-G-A.
Other names: c.899C>T (NM_001918.2); c.356C>T, p.Ala119Val (NM_001399969.1, NM_001399972.1); short protein forms A119V, A300V.
Identifiers: ClinVar variation 2162203 (VCV002162203.4), dbSNP rs760045168, ClinGen allele CA969644.

ClinVar aggregate classification (germline): Uncertain significance. Review status: criteria provided, multiple submitters, no conflicts (2 of 4 stars). 2 submissions from 2 submitters: Uncertain significance (2). Last evaluated 2026-01-19.

Conditions:
Maple syrup urine disease (MSUD). Identifiers: Orphanet 511, MedGen C0024776, MeSH D008375, MONDO:0009563. Disease mechanism: loss of function.
Inborn genetic diseases. Identifiers: MedGen C0950123, MeSH D030342.

Allele frequency attached by ClinVar (database versions not stated): ExAC 0.00001; gnomAD 0.00001; gnomAD exomes 0.00002; TOPMed 0.00003.
gnomAD v4.1: 25 of 1,614,008 alleles (0.0015%); highest among the groups gnomAD compares: Admixed American, 0.027%; no homozygotes.

Submissions (2):

Labcorp Genetics (formerly Invitae), Labcorp
Classification: Uncertain significance for Maple syrup urine disease. Last evaluated: 2026-01-19. Review status: criteria provided, single submitter. Criteria: Invitae Variant Classification Sherloc (09022015). Collection method: clinical testing. Allele origin: germline.
Comment: This sequence change replaces alanine, which is neutral and non-polar, with valine, which is neutral and non-polar, at codon 300 of the DBT protein (p.Ala300Val). This variant is present in population databases (rs760045168, gnomAD 0.04%). This variant has not been reported in the literature in individuals affected with DBT-related conditions. ClinVar contains an entry for this variant (Variation ID: 2162203). Invitae Evidence Modeling of protein sequence and biophysical properties (such as structural, functional, and spatial information, amino acid conservation, physicochemical variation, residue mobility, and thermodynamic stability) has been performed for this missense variant. However, the output from this modeling did not meet the statistical confidence thresholds required to predict the impact of this variant on DBT protein function. In summary, the available evidence is currently insufficient to determine the role of this variant in disease. Therefore, it has been classified as a Variant of Uncertain Significance.

Ambry Genetics
Classification: Uncertain significance for Inborn genetic diseases. Last evaluated: 2025-08-29. Review status: criteria provided, single submitter. Criteria: Ambry Variant Classification Scheme 2023. Collection method: clinical testing. Allele origin: germline.